The following is an entry in ClinVar:

NM_022893.4(BCL11A):c.2015C>T (p.Pro672Leu)

Gene: BCL11A (BCL11 transcription factor A; minus strand). Cytogenetic location: 2p16.1.
Variant type: single nucleotide variant.
Coding change: c.2015C>T on transcript NM_022893.4 (MANE Select); coding-DNA position 2015, C replaced by T.
Protein change: p.Pro672Leu; replaces proline 672 with leucine.
Molecular consequence: missense variant. On other transcripts: intron variant (6).
Genome position (GRCh38, 1-based): chr2:60,460,897, G>A on the plus strand (C>T on the coding strand, the complement: BCL11A is on the minus strand). VCF-style: chr2-60460897-G-A. GRCh37 (hg19) VCF-style: chr2-60688032-G-A.
Other names: c.1859C>T, p.Pro620Leu (NM_001405722.1, NM_001405723.1, NM_001405713.1 and 3 more transcripts); c.1757C>T, p.Pro586Leu (NM_001405724.1, NM_001405717.1, NM_001405718.1); c.1559C>T, p.Pro520Leu (NM_001405725.1, NM_001405726.1, NM_001405727.1 and 1 more transcripts); c.372+1385C>T (NM_001405736.1); c.474+1385C>T (NM_001405734.1, NM_001405735.1); c.1913C>T, p.Pro638Leu (NM_001363864.1, NM_001365609.1, NM_001405711.1 and 2 more transcripts); c.2015C>T, p.Pro672Leu (NM_001405708.1, NM_001405709.1, NM_001405710.1 and 1 more transcripts); c.1682C>T, p.Pro561Leu (NM_001405720.1, NM_001405721.1); and 5 more; short protein forms P341L, P441L, P493L, P520L, P561L, P586L, P620L, P638L.
Identifiers: ClinVar variation 4882005 (VCV004882005.2).

ClinVar aggregate classification (germline): Uncertain significance (1 of 4 stars; one submission).

Submission:

Dasa
Classification: Uncertain significance. Last evaluated: 2025-07-29. Review status: criteria provided, single submitter. Criteria: DASA Assertion Criteria. Collection method: clinical testing. Allele origin: germline.
Comment: NM_022893.4(BCL11A):c.2015C>T (p.Pro672Leu) is a missense variant that results in the substitution of proline with leucine. This variant is absent from population databases. The currently available literature and clinical evidence are not sufficient to establish a definitive association between this variant and the reported condition. Therefore, this variant is classified as a variant of uncertain significance.